The following is an entry in ClinVar:

ClinVar aggregate classification (germline): Benign/Likely benign. Review status: criteria provided, multiple submitters, no conflicts (2 of 4 stars). 4 submissions from 4 submitters: Benign (1); Likely benign (3). Last evaluated 2026-01-20.

Conditions:
Birt-Hogg-Dube syndrome. Also called: Birt Hogg Dubé syndrome. Identifiers: Orphanet 122, MedGen C0346010, MONDO:0800444.
Birt-Hogg-Dube syndrome 1 (BHD1). Also called: FIBROFOLLICULOMAS WITH TRICHODISCOMAS AND ACROCHORDONS. Identifiers: Orphanet 122, MedGen CN375946, MONDO:0800445, OMIM 135150.
Hereditary cancer-predisposing syndrome. Also called: Tumor predisposition; Hereditary Cancer Syndrome; Neoplastic Syndromes, Hereditary; Hereditary neoplastic syndrome. Identifiers: Orphanet 140162, MedGen C0027672, MeSH D009386, MONDO:0015356.

Allele frequency attached by ClinVar (database versions not stated): TOPMed 0.00001.

Submissions (4):

Labcorp Genetics (formerly Invitae), Labcorp
Classification: Likely benign for Birt-Hogg-Dube syndrome. Last evaluated: 2026-01-20. Review status: criteria provided, single submitter. Criteria: Invitae Variant Classification Sherloc (09022015). Collection method: clinical testing. Allele origin: germline.

Center for Genomic Medicine, Rigshospitalet, Copenhagen University Hospital
Classification: Likely benign. Last evaluated: 2025-03-04. Review status: criteria provided, single submitter. Criteria: ACMG Guidelines, 2015. Collection method: clinical testing. Allele origin: germline.

Myriad Genetics, Inc.
Classification: Benign for Birt-Hogg-Dube syndrome 1. Last evaluated: 2024-10-24. Review status: criteria provided, single submitter. Criteria: Myriad Autosomal Dominant, Autosomal Recessive and X-Linked Classification Criteria (2023). Collection method: clinical testing. Allele origin: unknown.
Comment: This variant is considered benign. This variant is a silent/synonymous amino acid change and it is not expected to impact splicing.

Ambry Genetics
Classification: Likely benign for Hereditary cancer-predisposing syndrome. Last evaluated: 2021-03-03. Review status: criteria provided, single submitter. Criteria: Ambry Variant Classification Scheme 2023. Collection method: clinical testing. Allele origin: germline.

NM_144997.7(FLCN):c.1251C>T (p.Phe417=)

Gene: FLCN (folliculin; minus strand). Cytogenetic location: 17p11.2.
Variant type: single nucleotide variant.
Coding change: c.1251C>T on transcript NM_144997.7 (MANE Select); coding-DNA position 1251, C replaced by T.
Protein change: p.Phe417=; no amino-acid change (phenylalanine 417 retained).
Molecular consequence: synonymous variant.
Genome position (GRCh38, 1-based): chr17:17,216,429, G>A on the plus strand (C>T on the coding strand, the complement: FLCN is on the minus strand). VCF-style: chr17-17216429-G-A. GRCh37 (hg19) VCF-style: chr17-17119743-G-A.
Other names: c.1305C>T, p.Phe435= (NM_001353229.2); c.1251C>T, p.Phe417= (NM_001353230.2, NM_001353231.2).
Identifiers: ClinVar variation 751196 (VCV000751196.15), dbSNP rs980174552, ClinGen allele CA288307330.